The following is an entry in ClinVar:

NM_014587.5(SOX8):c.909T>C (p.Tyr303=)

Gene: SOX8 (SRY-box transcription factor 8; plus strand). Cytogenetic location: 16p13.3.
Variant type: single nucleotide variant.
Coding change: c.909T>C on transcript NM_014587.5 (MANE Select); coding-DNA position 909, T replaced by C.
Protein change: p.Tyr303=; no amino-acid change (tyrosine 303 retained).
Molecular consequence: synonymous variant.
Genome position (GRCh38, 1-based): chr16:984,954, T>C. VCF-style: chr16-984954-T-C. GRCh37 (hg19) VCF-style: chr16-1034954-T-C.
Other names: c.909T>C (NM_014587.4).
Identifiers: ClinVar variation 1321479 (VCV001321479.5), dbSNP rs11542178, ClinGen allele CA7798276.
Genomic context (GRCh38, chr16:984,954, plus strand): 5'-CGAGTTCGACCAGTACCTGCCCCTGGGCGGCCCCGCCCCACCCGAGCCGGGCCAGGCCTA[T>C]GGGGGCGCCTACTTCCACGCCGGGGCGTCCCCCGTGTGGGCCCACAAGAGTGCCCCGTCG-3'
Protein context (NP_055402.2, residues 293-313): GPAPPEPGQA[Tyr303=]GGAYFHAGAS

ClinVar aggregate classification (germline): Benign. Review status: criteria provided, multiple submitters, no conflicts (2 of 4 stars). 3 submissions from 3 submitters: Benign (2). 1 of the submissions does not count toward it. Last evaluated 2021-11-11.

Conditions:
SOX8-related disorder. Also called: SOX8-related condition.

Allele frequency attached by ClinVar (database versions not stated): gnomAD exomes 0.29003 and 0.30057; ExAC 0.33946; 1000 Genomes Project 0.34305; 1000 Genomes Project 30x 0.35134; gnomAD 0.36227 and 0.36997; TOPMed 0.36292; ESP Exome Variant Server 0.37282.
gnomAD v4.1: 488,724 of 1,597,014 alleles (31%); highest among the groups gnomAD compares: African/African-American, 57%; 79,102 homozygotes.

Submissions (3):

GeneDx
Classification: Benign. Last evaluated: 2021-11-11. Review status: criteria provided, single submitter. Criteria: GeneDx Variant Classification Process June 2021. Collection method: clinical testing. Allele origin: germline. Affected: yes.

Breakthrough Genomics
Classification: Benign. Review status: criteria provided, single submitter. Criteria: ACMG Guidelines, 2015. Collection method: not provided. Allele origin: germline. Inheritance: Unknown mechanism. Affected: yes.

PreventionGenetics, part of Exact Sciences
Classification: Benign for SOX8-related condition. Last evaluated: 2019-10-17. Review status: no assertion criteria provided. Collection method: clinical testing. Allele origin: germline. Not counted in ClinVar's aggregate classification.
Comment: This variant is classified as benign based on ACMG/AMP sequence variant interpretation guidelines (Richards et al. 2015 PMID: 25741868, with internal and published modifications).